The following is an entry in ClinVar:

ClinVar aggregate classification (germline): Uncertain significance (1 of 4 stars; one submission).

Conditions:
PPARG-related disorder. Also called: PPARG-related condition; PPARG-related disorders.

gnomAD v4.1: 14 of 1,613,856 alleles (0.00087%); highest among the groups gnomAD compares: Non-Finnish European, 0.0011%; no homozygotes.

Submission:

PreventionGenetics, part of Exact Sciences
Classification: Uncertain significance for PPARG-related condition. Last evaluated: 2026-01-30. Review status: criteria provided, single submitter. Criteria: ACMG Guidelines, 2015. Collection method: clinical testing. Allele origin: germline.
Comment: The PPARG c.142G>A variant is predicted to result in the amino acid substitution p.Val48Met. This variant has been reported in an individual with early onset diabetes (Gong et al. 2021. PubMed ID: 347649360), but was predicted to be likely benign based on in vitro experiments analyzing adipocyte differentiation (Majithia et al. 2014. PubMed ID: 25157153). This variant is reported in 0.0018% of alleles in individuals of European (Non-Finnish) descent in gnomAD. At this time, the clinical significance of this variant is uncertain due to the absence of conclusive functional and genetic evidence.

NM_138711.6(PPARG):c.52G>A (p.Val18Met)

Gene: PPARG (peroxisome proliferator activated receptor gamma; plus strand). Cytogenetic location: 3p25.2.
Variant type: single nucleotide variant.
Coding change: c.52G>A on transcript NM_138711.6 (MANE Select); coding-DNA position 52, G replaced by A.
Protein change: p.Val18Met; replaces valine 18 with methionine.
Molecular consequence: missense variant. On other transcripts: 5 prime UTR variant (1).
Genome position (GRCh38, 1-based): chr3:12,379,763, G>A. VCF-style: chr3-12379763-G-A. GRCh37 (hg19) VCF-style: chr3-12421262-G-A.
Other names: c.52G>A, p.Val18Met (NM_001330615.4, NM_001354666.3, NM_001354667.3 and 6 more transcripts); c.142G>A, p.Val48Met (NM_001354668.2, NM_001374265.1, NM_015869.5); c.-376G>A (NM_001354669.2); c.58G>A, p.Val20Met (NM_001354670.2, NM_001374266.1); short protein forms V20M, V18M, V48M.
Identifiers: ClinVar variation 4978717 (VCV004978717.1).
Genomic context (GRCh38, chr3:12,379,763, plus strand): 5'-GAAATGACCATGGTTGACACAGAGATGCCATTCTGGCCCACCAACTTTGGGATCAGCTCC[G>A]TGGATCTCTCCGTAATGGAAGACCACTCCCACTCCTTTGATATCAAGCCCTTCACTACTG-3'
Protein context (NP_619725.3, residues 8-28): FWPTNFGISS[Val18Met]DLSVMEDHSH